The following is an entry in ClinVar:

ClinVar aggregate classification (germline): Uncertain significance (1 of 4 stars; one submission).

gnomAD v4.1: 1 of 1,613,026 alleles (0.000062%); highest among the groups gnomAD compares: Non-Finnish European, 0.000085%; no homozygotes.

Submission:

Labcorp Genetics (formerly Invitae), Labcorp
Classification: Uncertain significance. Last evaluated: 2021-12-08. Review status: criteria provided, single submitter. Criteria: Invitae Variant Classification Sherloc (09022015). Collection method: clinical testing. Allele origin: germline.
Comment: This variant has not been reported in the literature in individuals affected with PLEKHM2-related conditions. Algorithms developed to predict the effect of missense changes on protein structure and function (SIFT, PolyPhen-2, Align-GVGD) all suggest that this variant is likely to be tolerated. In summary, the available evidence is currently insufficient to determine the role of this variant in disease. Therefore, it has been classified as a Variant of Uncertain Significance. This variant is not present in population databases (gnomAD no frequency). This sequence change replaces lysine, which is basic and polar, with glutamic acid, which is acidic and polar, at codon 988 of the PLEKHM2 protein (p.Lys988Glu).

NM_015164.4(PLEKHM2):c.2962A>G (p.Lys988Glu)

Gene: PLEKHM2 (pleckstrin homology and RUN domain containing M2; plus strand). Cytogenetic location: 1p36.21.
Variant type: single nucleotide variant.
Coding change: c.2962A>G on transcript NM_015164.4 (MANE Select); coding-DNA position 2962, A replaced by G.
Protein change: p.Lys988Glu; replaces lysine 988 with glutamic acid.
Molecular consequence: missense variant.
Genome position (GRCh38, 1-based): chr1:15,733,836, A>G. VCF-style: chr1-15733836-A-G. GRCh37 (hg19) VCF-style: chr1-16060331-A-G.
Other names: short protein forms K988E.
Identifiers: ClinVar variation 1485989 (VCV001485989.6), dbSNP rs2148383647, ClinGen allele CA338576429.